The following is an entry in ClinVar:

ClinVar aggregate classification (germline): Conflicting classifications of pathogenicity. Review status: criteria provided, conflicting classifications (1 of 4 stars). 5 submissions from 5 submitters: Uncertain significance (4); Likely benign (1). Last evaluated 2024-12-17.

Conditions:
Cardiovascular phenotype. Identifiers: MedGen CN230736.
Arrhythmogenic right ventricular dysplasia 8 (ARVD8). Also called: ARRHYTHMOGENIC RIGHT VENTRICULAR DYSPLASIA, FAMILIAL, 8; ARRHYTHMOGENIC RIGHT VENTRICULAR CARDIOMYOPATHY 8; Arrhythmogenic Right Ventricular Dysplasia/Cardiomyopathy 8. Identifiers: MedGen C1843896, MONDO:0011831, OMIM 607450.
Arrhythmogenic cardiomyopathy with wooly hair and keratoderma. Also called: PALMOPLANTAR KERATODERMA WITH LEFT VENTRICULAR CARDIOMYOPATHY AND WOOLLY HAIR; Dilated cardiomyopathy with woolly hair and keratoderma; Arrhythmogenic cardiomyopathy with woolly hair and keratoderma; Carvajal syndrome. Identifiers: Orphanet 65282, MedGen C1854063, MONDO:0011581, OMIM 605676.

Allele frequency attached by ClinVar (database versions not stated): gnomAD 0.00002 and 0.00003; gnomAD exomes 0.00002; TOPMed 0.00001; ExAC 0.00002.
gnomAD v4.1: 15 of 1,613,714 alleles (0.00093%); highest among the groups gnomAD compares: Admixed American, 0.0017%; no homozygotes.

Submissions (5):

Labcorp Genetics (formerly Invitae), Labcorp
Classification: Likely benign for Arrhythmogenic cardiomyopathy with wooly hair and keratoderma; Arrhythmogenic right ventricular dysplasia 8. Last evaluated: 2024-12-17. Review status: criteria provided, single submitter. Criteria: Invitae Variant Classification Sherloc (09022015). Collection method: clinical testing. Allele origin: germline.

All of Us Research Program, National Institutes of Health
Classification: Uncertain significance for Arrhythmogenic cardiomyopathy with wooly hair and keratoderma. Last evaluated: 2024-08-13. Review status: criteria provided, single submitter. Criteria: ACMG Guidelines, 2015. Collection method: clinical testing. Allele origin: germline. Inheritance: Autosomal dominant inheritance. Observed: 4 variant alleles, 4 heterozygotes.
Comment: This missense variant replaces valine with alanine at codon 2181 of the DSP protein. Computational prediction suggests that this variant may not impact protein structure and function (internally defined REVEL score threshold <= 0.5, PMID: 27666373). To our knowledge, functional studies have not been reported for this variant. This variant has not been reported in individuals affected with cardiovascular disorders in the literature. This variant has been identified in 6/282856 chromosomes in the general population by the Genome Aggregation Database (gnomAD). The available evidence is insufficient to determine the role of this variant in disease conclusively. Therefore, this variant is classified as a Variant of Uncertain Significance.

This study involves interpretation of variants in research participants for the purpose of population health screening. Participant phenotype was not available at the time of variant classification. Additional details can be found in publication PMID: 35346344, PMCID: PMC8962531

Ambry Genetics
Classification: Uncertain significance for Cardiovascular phenotype. Last evaluated: 2023-02-23. Review status: criteria provided, single submitter. Criteria: Ambry Variant Classification Scheme 2023. Collection method: clinical testing. Allele origin: germline.
Comment: The p.V2181A variant (also known as c.6542T>C), located in coding exon 24 of the DSP gene, results from a T to C substitution at nucleotide position 6542. The valine at codon 2181 is replaced by alanine, an amino acid with similar properties. This amino acid position is conserved. In addition, this alteration is predicted to be tolerated by in silico analysis. Since supporting evidence is limited at this time, the clinical significance of this alteration remains unclear.

GeneDx
Classification: Uncertain significance. Last evaluated: 2022-10-04. Review status: criteria provided, single submitter. Criteria: GeneDx Variant Classification Process June 2021. Collection method: clinical testing. Allele origin: germline. Affected: yes.
Comment: Has not been previously published as pathogenic or benign to our knowledge; In silico analysis supports that this missense variant does not alter protein structure/function

Blueprint Genetics
Classification: Uncertain significance. Last evaluated: 2022-07-07. Review status: criteria provided, single submitter. Criteria: ACMG Guidelines, 2015. Collection method: clinical testing. Allele origin: germline.

NM_004415.4(DSP):c.6542T>C (p.Val2181Ala)

Gene: DSP (desmoplakin; plus strand). Cytogenetic location: 6p24.3.
Variant type: single nucleotide variant.
Coding change: c.6542T>C on transcript NM_004415.4 (MANE Select); coding-DNA position 6542, T replaced by C.
Protein change: p.Val2181Ala; replaces valine 2181 with alanine.
Molecular consequence: missense variant.
Genome position (GRCh38, 1-based): chr6:7,583,804, T>C. VCF-style: chr6-7583804-T-C. GRCh37 (hg19) VCF-style: chr6-7584037-T-C.
Other names: c.6542T>C (LRG_423t1); c.4745T>C, p.Val1582Ala (NM_001008844.3); c.5213T>C, p.Val1738Ala (NM_001319034.2); short protein forms V2181A, V1582A, V1738A.
Identifiers: ClinVar variation 180338 (VCV000180338.11), dbSNP rs730880088, ClinGen allele CA006976.